The following is an entry in ClinVar:

NM_000384.3(APOB):c.9140C>T (p.Thr3047Met)

Gene: APOB (apolipoprotein B; minus strand). Cytogenetic location: 2p24.1.
Variant type: single nucleotide variant.
Coding change: c.9140C>T on transcript NM_000384.3 (MANE Select); coding-DNA position 9140, C replaced by T.
Protein change: p.Thr3047Met; replaces threonine 3047 with methionine.
Molecular consequence: missense variant.
Genome position (GRCh38, 1-based): chr2:21,007,728, G>A on the plus strand (C>T on the coding strand, the complement: APOB is on the minus strand). VCF-style: chr2-21007728-G-A. GRCh37 (hg19) VCF-style: chr2-21230600-G-A.
Other names: short protein forms T3047M.
Identifiers: ClinVar variation 630271 (VCV000630271.22), dbSNP rs61742323, ClinGen allele CA066310.

ClinVar aggregate classification (germline): Conflicting classifications of pathogenicity. Review status: criteria provided, conflicting classifications (1 of 4 stars). 4 submissions from 4 submitters: Uncertain significance (1); Likely benign (3). Last evaluated 2026-04-01.

Conditions:
Hypercholesterolemia, autosomal dominant, type B (FHCL2). Also called: Familial Hypercholesterolemia Type B; Hyperlipoproteinemia Type IIb; Familial hypercholesterolemia 2; APOB-Related Familial Hypercholesterolemia, Autosomal Dominant; APOLIPOPROTEIN B-100, FAMILIAL DEFECTIVE; APOLIPOPROTEIN B-100, FAMILIAL LIGAND-DEFECTIVE. Identifiers: MedGen C1704417, MONDO:0007751, OMIM 144010.
Familial hypobetalipoproteinemia 1. Also called: APOB-Related Familial Hypobetalipoproteinemia; Hypobetalipoproteinemia, normotriglyceridemic; Acanthocytosis with hypobetalipoproteinemia. Identifiers: MedGen C4551990, MONDO:0014252, OMIM 615558.
Cardiovascular phenotype. Identifiers: MedGen CN230736.

Allele frequency attached by ClinVar (database versions not stated): TOPMed 0.00004.
gnomAD v4.1: 91 of 1,613,960 alleles (0.0056%); highest among the groups gnomAD compares: Middle Eastern, 0.016%; no homozygotes.

Submissions (4):

CeGaT Center for Human Genetics Tuebingen
Classification: Likely benign. Last evaluated: 2026-04-01. Review status: criteria provided, single submitter. Criteria: CeGaT Center For Human Genetics Tuebingen Variant Classification Criteria Version 2. Collection method: clinical testing. Allele origin: germline. Affected: yes. Observed: 2 variant alleles.
Comment: APOB: BP4

Labcorp Genetics (formerly Invitae), Labcorp
Classification: Likely benign for Familial hypobetalipoproteinemia 1; Hypercholesterolemia, autosomal dominant, type B. Last evaluated: 2026-01-26. Review status: criteria provided, single submitter. Criteria: Invitae Variant Classification Sherloc (09022015). Collection method: clinical testing. Allele origin: germline.

Ambry Genetics
Classification: Likely benign for Cardiovascular phenotype. Last evaluated: 2025-01-22. Review status: criteria provided, single submitter. Criteria: Ambry Variant Classification Scheme 2023. Collection method: clinical testing. Allele origin: germline.

Fulgent Genetics
Classification: Uncertain significance for Hypercholesterolemia, autosomal dominant, type B; Familial hypobetalipoproteinemia 1. Last evaluated: 2024-02-06. Review status: criteria provided, single submitter. Criteria: ACMG Guidelines, 2015. Collection method: clinical testing. Allele origin: germline.